The following is an entry in ClinVar:

ClinVar aggregate classification (germline): Uncertain significance. Review status: criteria provided, multiple submitters, no conflicts (2 of 4 stars). 2 submissions from 2 submitters: Uncertain significance (2). Last evaluated 2024-03-07.

Conditions:
Hereditary cancer-predisposing syndrome. Also called: Neoplastic Syndromes, Hereditary; Hereditary Cancer Syndrome; Tumor predisposition; Hereditary neoplastic syndrome. Identifiers: Orphanet 140162, MedGen C0027672, MeSH D009386, MONDO:0015356.

Allele frequency attached by ClinVar (database versions not stated): gnomAD exomes below 0.00001.

Submissions (2):

Color Diagnostics, LLC DBA Color Health
Classification: Uncertain significance for Hereditary cancer-predisposing syndrome. Last evaluated: 2024-03-07. Review status: criteria provided, single submitter. Criteria: ACMG Guidelines, 2015. Collection method: clinical testing. Allele origin: germline.
Comment: This missense variant replaces arginine with serine at codon 244 of the BAP1 protein. Computational prediction suggests that this variant may not impact protein structure and function (internally defined REVEL score threshold <= 0.5, PMID: 27666373). Splice site prediction tools suggest that this variant may not impact RNA splicing. To our knowledge, functional studies have not been reported for this variant. This variant has not been reported in individuals affected with hereditary cancer in the literature. This variant has not been identified in the general population by the Genome Aggregation Database (gnomAD). The available evidence is insufficient to determine the role of this variant in disease conclusively. Therefore, this variant is classified as a Variant of Uncertain Significance.

Ambry Genetics
Classification: Uncertain significance for Hereditary cancer-predisposing syndrome. Last evaluated: 2023-07-23. Review status: criteria provided, single submitter. Criteria: Ambry Variant Classification Scheme 2023. Collection method: clinical testing. Allele origin: germline.
Comment: The p.R244S variant (also known as c.732G>C), located in coding exon 9 of the BAP1 gene, results from a G to C substitution at nucleotide position 732. The arginine at codon 244 is replaced by serine, an amino acid with dissimilar properties. This amino acid position is conserved. In addition, this alteration is predicted to be tolerated by in silico analysis. Since supporting evidence is limited at this time, the clinical significance of this alteration remains unclear.

NM_004656.4(BAP1):c.732G>C (p.Arg244Ser)

Gene: BAP1 (BRCA1 associated deubiquitinase 1; minus strand). Cytogenetic location: 3p21.1.
Variant type: single nucleotide variant.
Coding change: c.732G>C on transcript NM_004656.4 (MANE Select); coding-DNA position 732, G replaced by C.
Protein change: p.Arg244Ser; replaces arginine 244 with serine.
Molecular consequence: missense variant.
Genome position (GRCh38, 1-based): chr3:52,406,304, C>G on the plus strand (G>C on the coding strand, the complement: BAP1 is on the minus strand). VCF-style: chr3-52406304-C-G. GRCh37 (hg19) VCF-style: chr3-52440320-C-G.
Other names: c.732G>C (NM_004656.2); short protein forms R244S.
Identifiers: ClinVar variation 928461 (VCV000928461.6), dbSNP rs1578225108, ClinGen allele CA353107226.